The following is an entry in ClinVar:

NM_001330078.2(NRXN1):c.4157C>T (p.Ala1386Val)

Gene: NRXN1 (neurexin 1; minus strand). Cytogenetic location: 2p16.3.
Variant type: single nucleotide variant.
Coding change: c.4157C>T on transcript NM_001330078.2 (MANE Select); coding-DNA position 4157, C replaced by T.
Protein change: p.Ala1386Val; replaces alanine 1386 with valine.
Molecular consequence: missense variant.
Genome position (GRCh38, 1-based): chr2:49,943,763, G>A on the plus strand (C>T on the coding strand, the complement: NRXN1 is on the minus strand). VCF-style: chr2-49943763-G-A. GRCh37 (hg19) VCF-style: chr2-50170901-G-A.
Other names: c.4277C>T, p.Ala1426Val (NM_001135659.3); c.62C>T, p.Ala21Val (NM_001320156.4, NM_001320157.4); c.4133C>T, p.Ala1378Val (NM_001330077.2, NM_001330082.2); c.4001C>T, p.Ala1334Val (NM_001330083.2); c.4091C>T, p.Ala1364Val (NM_001330084.2); c.4130C>T, p.Ala1377Val (NM_001330085.2); c.4157C>T, p.Ala1386Val (NM_001330086.2); c.3956C>T, p.Ala1319Val (NM_001330087.2, NM_001330096.2); and 7 more; short protein forms A1319V, A1329V, A1334V, A1339V, A1356V, A1364V, A1377V, A1378V.
Identifiers: ClinVar variation 1007831 (VCV001007831.8), dbSNP rs1672419614, ClinGen allele CA346818070.

ClinVar aggregate classification (germline): Uncertain significance (1 of 4 stars; one submission).

Conditions:
Pitt-Hopkins-like syndrome 2 (PTHSL2). Identifiers: Orphanet 221150, Orphanet 600663, MedGen C3280479, MONDO:0013690, OMIM 614325.

Submission:

Labcorp Genetics (formerly Invitae), Labcorp
Classification: Uncertain significance for Pitt-Hopkins-like syndrome 2. Last evaluated: 2020-06-01. Review status: criteria provided, single submitter. Criteria: Invitae Variant Classification Sherloc (09022015). Collection method: clinical testing. Allele origin: germline.
Comment: In summary, the available evidence is currently insufficient to determine the role of this variant in disease. Therefore, it has been classified as a Variant of Uncertain Significance. Algorithms developed to predict the effect of missense changes on protein structure and function (SIFT, PolyPhen-2, Align-GVGD) all suggest that this variant is likely to be tolerated, but these predictions have not been confirmed by published functional studies and their clinical significance is uncertain. This variant has not been reported in the literature in individuals with NRXN1-related conditions. This variant is not present in population databases (ExAC no frequency). This sequence change replaces alanine with valine at codon 1426 of the NRXN1 protein (p.Ala1426Val). The alanine residue is highly conserved and there is a small physicochemical difference between alanine and valine.